The following continues an entry in ClinVar:

NM_000256.3(MYBPC3):c.1624G>C (p.Glu542Gln)

Gene: MYBPC3. ClinVar aggregate classification (germline): Pathogenic/Likely pathogenic. Pathogenic (33); Likely pathogenic (1).

Submissions 23 to 35 of 41:

Laboratory for Molecular Medicine, Mass General Brigham Personalized Medicine
Classification: Pathogenic for Hypertrophic cardiomyopathy. Last evaluated: 2021-06-30. Review status: criteria provided, single submitter. Criteria: ACMG Guidelines, 2015. Collection method: clinical testing. Allele origin: germline. Inheritance: Autosomal dominant inheritance.
Comment: The p.Glu542Gln variant in MYBPC3 has been identified in > 50 individuals with HCM and segregated with disease in > 10 affected individuals from multiple families (Carrier 1997 PMID: 9048664, Page 2012 PMID: 22267749, Fokstuen 2011 PMID: 21239446, Rodriguez-Garcia 2010 PMID: 20433692, Barriales-Villa 2010 PMID: 20738943, Garcia-Castro 2009 PMID: 19150014, Olivotto 2008 PMID: 18533079, Girolami 2006 PMID: 16858239, Ingles 2005 PMID: 16199542, Van Driest 2004 PMID: 15519027, Richard 2003 PMID: 12707239, Crehalet 2012 , Walsh 2017 PMID: 27532257, LMM data). This variant has also been reported by other clinical laboratories in ClinVar (Variation ID: 8608) and has been identified in 0.004% (5/119550) of European chromosomes by gnomAD. This variant is located in the last three bases of the exon, which is part of the 5’ splice region. Computational tools suggest an impact to splicing, which was confirmed by in vitro studies using patient RNA. These show that this variant causes skipping of exon 17, resulting in a premature translational termination codon, with normally spliced transcripts containing the variant are also expressed (Carrier 1997 PMID: 9048664, Crehalet 2012, Ito 2017 PMID: 28679633). Pathogenic splice variants in the MYBPC3 gene are common in HCM patients. In summary, this variant meets criteria to be classified as pathogenic for HCM in an autosomal dominant manner based on prevalence among affected individuals, segregation studies, and observed impact on splicing. The ACMG/AMP Criteria applied: PS4, PP1_Strong, PM2_Supporting, PS3_Moderate, PP3.

Victorian Clinical Genetics Services, Murdoch Childrens Research Institute
Classification: Pathogenic for Hypertrophic cardiomyopathy 4. Last evaluated: 2021-05-06. Review status: criteria provided, single submitter. Criteria: ACMG Guidelines, 2015. Collection method: clinical testing. Allele origin: germline. Affected: yes.
Comment: Based on the classification scheme VCGS_Germline_v1.3.4, this variant is classified as Pathogenic. Following criteria are met: 0102 - Loss of function is a known mechanism of disease in this gene and is associated with hypertrophic cardiomyopathy 4 (MIM#115197). (I) 0108 - This gene is associated with both recessive and dominant disease. Heterozygous variants are frequently reported in adult onset conditions, however recessive inheritance results in a more severe early onset phenotype (OMIM). (I) 0200 - Variant is predicted to result in a missense amino acid change from glutamic acid to glutamine. RNA studies have shown that this variant causes skipping of exon 17 and introduction of a premature stop codon for a small proportion of the mRNA trancripts in addition to full-length missense transcripts (PMID: 22057632). (I) 0251 - This variant is heterozygous. (I) 0302 - Variant is present in gnomAD (v3) <0.001 for a dominant condition (9 heterozygotes, 0 homozygotes). (SP) 0502 - Missense variant with conflicting in silico predictions and uninformative conservation. As a splicing variant, in silico software predicts a reduction in confidence for the donor site to be recognised or to be totally abolished. (I) 0600 - Variant is located in the annotated Ig-like C2-type 3 domain (Uniprot). (I) 0705 - No comparable missense variants have previous evidence for pathogenicity. (I) 0801 - This variant has very strong previous evidence of pathogenicity in unrelated individuals with hypertrophic cardiomyopathy (ClinVar). (SP) 1208 - Inheritance information for this variant is not currently available in this individual. (I) Legend: (SP) - Supporting pathogenic, (I) - Information, (SB) - Supporting benign

Institute of Medical Genetics and Applied Genomics, University Hospital Tübingen
Classification: Pathogenic. Last evaluated: 2020-10-23. Review status: criteria provided, single submitter. Criteria: ACMG Guidelines, 2015. Collection method: clinical testing. Allele origin: germline. Inheritance: Autosomal unknown. Affected: yes.

Rady Children's Institute for Genomic Medicine, Rady Children's Hospital San Diego
Classification: Pathogenic for CARDIOMYOPATHY, FAMILIAL HYPERTROPHIC, 4. Last evaluated: 2020-07-07. Review status: criteria provided, single submitter. Criteria: ACMG Guidelines, 2015. Collection method: clinical testing. Allele origin: germline. Affected: yes.
Comment: This variant affects the last nucleotide of exon 17 of MYBPC3 and is likely to interfere with native splicing. This variant has been previously reported mainly as a heterozygous variant in unrelated families with hypertrophic cardiomyopathy (HCM) and dilated cardiomyopathy (DCM), and also as a compound heterozygous change in patients with HCM (PMID: 29121657, 27532257, 31514951, 16199542, 20378854). Expression studies using mRNA from patient myocardial tissue demonstrate that this variant leads to exon skipping (PMID: 25031304) and decreased protein incorporation into the A-band of the sarcomere (PMID: 10610770). It is present in the heterozygous state in the gnomAD population database at a frequency of 0.002% (5/262678) and thus is presumed to be rare. The c.1624G>C (p.Glu542Gln) variant is predicted by multiple in silico tools to have a deleterious effect on protein function. Based on the available evidence, the c.1624G>C (p.Glu542Gln) variant is classified as Pathogenic.

Human Genome Sequencing Center Clinical Lab, Baylor College of Medicine
Classification: Pathogenic for Familial hypertrophic cardiomyopathy 4. Last evaluated: 2019-10-30. Review status: criteria provided, single submitter. Criteria: ACMG Guidelines, 2015. Collection method: clinical testing. Allele origin: germline.
Comment: The c.1624G>C (p.Glu542Gln) variant in exon 17 of the MYBPC3 gene has been reported in multiple unrelated individuals with hypertrophic cardiomyopathies (HCM) (PMID: 9631872, 12707239, 15519027, 16199542, 16858239, 19150014, 20738943, 21239446, 18533079, 24093860, 27483260, 27532257). It has also been reported to segregate with disease in multiple affected individuals from unrelated families (PMID: 9048664, 20433692). This variant has an extremely low frequency in general population databases. The c.1624G>C sequence change is located at the last base of the exon and predicted to alter gene splicing. mRNA studies using patient lymphocytes and cardiac tissues have confirmed that this variant causes skipping of exon 17, introducing a premature translational termination codon, while normally spliced missense transcript for c.1624G>C (p.Glu542Gln) is also expressed (PMID: 9048664, 22057632, 25031304, 28679633). Functional studies in fetal rat cardiomyocytes showed that incorporation of truncating variants of MYBPC3 into sarcomere is reduced compared to wild-type and suggested that truncating variants and the c.1624G>C (p.Glu542Gln) missense variant have a dominant negative effect on the myobrillar architecture (PMID: 10610770). In summary, this c.1624G>C (p.Glu542Gln) variant in the MYBPC3 gene is classified as pathogenic.

HudsonAlpha Institute for Biotechnology
Classification: Pathogenic for Hypertrophic cardiomyopathy 4. Last evaluated: 2019-10-10. Review status: criteria provided, single submitter. Criteria: ACMG Guidelines, 2015. Collection method: research. Allele origin: unknown. Observed: 2 variant alleles. Study: AGHI_GT.

Biesecker Lab/Clinical Genomics Section, National Institutes of Health
Classification: Pathogenic for Hypertrophic cardiomyopathy 4. Last evaluated: 2019-03-28. Review status: criteria provided, single submitter. Criteria: ACMG Guidelines, 2015. Collection method: curation. Allele origin: germline. Study: CSER_ClinSeq.

Phosphorus, Inc.
Classification: Pathogenic for Hypertrophic cardiomyopathy 4. Last evaluated: 2017-08-01. Review status: criteria provided, single submitter. Criteria: ACMG Guidelines, 2015. Collection method: clinical testing. Allele origin: germline. Observed: 1 variant allele.

Center of Genomic medicine, Geneva, University Hospital of Geneva
Classification: Pathogenic for Hypertrophic cardiomyopathy 4. Last evaluated: 2016-03-30. Review status: criteria provided, single submitter. Criteria: ACMG Guidelines, 2015. Collection method: clinical testing. Allele origin: unknown. Affected: yes.

Agnes Ginges Centre for Molecular Cardiology, Centenary Institute
Classification: Pathogenic for Hypertrophic cardiomyopathy 1. Last evaluated: 2015-06-30. Review status: criteria provided, single submitter. Criteria: Agnes Ginges Centre for Molecular Cardiology criteria (2015). Collection method: research. Allele origin: germline. Inheritance: Autosomal dominant inheritance. Affected: yes.
Comment: The MYBPC3 Glu542Gln has previously been reported in multiple unrelated HCM cases (see references). Studies have shown the variant to co-segregate with disease in familial HCM (Carrier et al, 1997; Saltzman et al, 2010) however, we note that Saltzman et al. (2010) also identified an additional known disease-causing variant (MYBPC3 Arg502Trp). We have identified this variant in 4 unrelated HCM probands in our cohort. Familial segregation was performed where possible and was found to segregate with disease in a total of 6 individuals (2 in one family, 4 in another family). MYBPC3 Glu542Gln is a rare variant with a minor allele frequency of 0.00002485 in the Exome Aggregation Consortium dataset. The variant affects the last nucleotide of exon 17 and has been shown to impact splicing (exon 17 skip) and result in an aberrant transcript (Carrier et al, 1997; Crehalet et al, 2012). In silico tools (SIFT, PolyPhen2, MutationTaster) are supportive of this variant having a disease-causing effect. Furhermore, loss-of-function variants in MYBPC3 including splice variants, are an established mechanism of disease in HCM. Based on the observation of MYPBC3 Glu542Gln in multiple HCM patients in independent studies and our cohort, its rarity in the general population, and our familial segregation analyses, we classify this variant as "pathogenic".

Stanford Center for Inherited Cardiovascular Disease, Stanford University
Classification: Likely pathogenic. Last evaluated: 2013-11-04. Review status: criteria provided, single submitter. Criteria: ACMG Guidelines, 2015. Collection method: provider interpretation. Allele origin: germline.

Clinical Genetics Service, Universitary Hospital 12 de Octubre
Classification: Pathogenic for Hypertrophic cardiomyopathy 4. Review status: criteria provided, single submitter. Criteria: ACMG Guidelines, 2015. Collection method: clinical testing. Allele origin: germline. Affected: yes.

Bioscientia Institut fuer Medizinische Diagnostik GmbH, Sonic Healthcare
Classification: Pathogenic for Hypertrophic cardiomyopathy 4. Last evaluated: 2020-06-16. Review status: no assertion criteria provided. Collection method: clinical testing. Allele origin: germline. Affected: yes. Not counted in ClinVar's aggregate classification.